The following is an entry in ClinVar:

NM_003285.3(TNR):c.42C>T (p.Leu14=)

Gene: TNR (tenascin R; minus strand). Cytogenetic location: 1q25.1.
Variant type: single nucleotide variant.
Coding change: c.42C>T on transcript NM_003285.3 (MANE Select); coding-DNA position 42, C replaced by T.
Protein change: p.Leu14=; no amino-acid change (leucine 14 retained).
Molecular consequence: synonymous variant. On other transcripts: 5 prime UTR variant (1).
Genome position (GRCh38, 1-based): chr1:175,406,673, G>A on the plus strand (C>T on the coding strand, the complement: TNR is on the minus strand). VCF-style: chr1-175406673-G-A. GRCh37 (hg19) VCF-style: chr1-175375809-G-A.
Other names: c.-854C>T (NM_001328635.2).
Identifiers: ClinVar variation 3898568 (VCV003898568.7).

ClinVar aggregate classification (germline): Likely benign (1 of 4 stars; one submission).

gnomAD v4.1: 3 of 1,614,176 alleles (0.00019%); highest among the groups gnomAD compares: African/African-American, 0.0027%; no homozygotes.

Submission:

CeGaT Center for Human Genetics Tuebingen
Classification: Likely benign. Last evaluated: 2025-04-01. Review status: criteria provided, single submitter. Criteria: CeGaT Center For Human Genetics Tuebingen Variant Classification Criteria Version 2. Collection method: clinical testing. Allele origin: germline. Affected: yes. Observed: 1 variant allele.
Comment: TNR: BP4, BP7